The following is an entry in ClinVar:

ClinVar aggregate classification (germline): Uncertain significance (1 of 4 stars; one submission).

gnomAD v4.1: 1 of 1,614,056 alleles (0.000062%); highest among the groups gnomAD compares: Non-Finnish European, 0.000085%; no homozygotes.

Submission:

GeneDx
Classification: Uncertain significance. Last evaluated: 2025-03-06. Review status: criteria provided, single submitter. Criteria: GeneDx Variant Classification Process June 2021. Collection method: clinical testing. Allele origin: germline. Affected: yes.
Comment: Not observed at significant frequency in large population cohorts (gnomAD); In silico analysis supports that this missense variant has a deleterious effect on protein structure/function; Has not been previously published as pathogenic or benign to our knowledge

NM_032888.4(COL27A1):c.1244C>T (p.Pro415Leu)

Gene: COL27A1 (collagen type XXVII alpha 1 chain; plus strand). Cytogenetic location: 9q32.
Variant type: single nucleotide variant.
Coding change: c.1244C>T on transcript NM_032888.4 (MANE Select); coding-DNA position 1244, C replaced by T.
Protein change: p.Pro415Leu; replaces proline 415 with leucine.
Molecular consequence: missense variant.
Genome position (GRCh38, 1-based): chr9:114,168,799, C>T. VCF-style: chr9-114168799-C-T. GRCh37 (hg19) VCF-style: chr9-116931079-C-T.
Other names: short protein forms P415L.
Identifiers: ClinVar variation 4082931 (VCV004082931.1).
Genomic context (GRCh38, chr9:114,168,799, plus strand): 5'-CATTTACAAAGTCAGCCCTACCCACTCAGAAGCAAGTGCCACCTACTTCCCGTCCAGTTC[C>T]TGCCAGAGTCTCCCGTCCCGCAGAGAAGCCCATCCAGAGGAACCCGGGAATGCCCAGGCC-3'
Protein context (NP_116277.2, residues 405-425): KQVPPTSRPV[Pro415Leu]ARVSRPAEKP